The following is an entry in ClinVar:

ClinVar aggregate classification (germline): Benign/Likely benign. Review status: criteria provided, multiple submitters, no conflicts (2 of 4 stars). 3 submissions from 3 submitters: Benign (1); Likely benign (1). 1 of the submissions does not count toward it. Last evaluated 2025-12-16.

Conditions:
NEFH-related disorder. Also called: NEFH-related condition.

Allele frequency attached by ClinVar (database versions not stated): gnomAD exomes 0.00004 and 0.00027; gnomAD 0.00007 and 0.00015; TOPMed 0.00009; ExAC 0.00024; 1000 Genomes Project 0.00200; 1000 Genomes Project 30x 0.00203.

Submissions (3):

Labcorp Genetics (formerly Invitae), Labcorp
Classification: Benign. Last evaluated: 2025-12-16. Review status: criteria provided, single submitter. Criteria: Invitae Variant Classification Sherloc (09022015). Collection method: clinical testing. Allele origin: germline.

Mayo Clinic Laboratories, Mayo Clinic
Classification: Likely benign. Last evaluated: 2025-10-11. Review status: criteria provided, single submitter. Criteria: ACMG Guidelines, 2015. Collection method: clinical testing. Allele origin: germline. Observed: 1 variant allele.
Comment: BS1, BS2

PreventionGenetics, part of Exact Sciences
Classification: Likely benign for NEFH-related condition. Last evaluated: 2024-06-14. Review status: no assertion criteria provided. Collection method: clinical testing. Allele origin: germline. Not counted in ClinVar's aggregate classification.
Comment: This variant is classified as likely benign based on ACMG/AMP sequence variant interpretation guidelines (Richards et al. 2015 PMID: 25741868, with internal and published modifications).

Literature cited by the submitters: PubMed 21220648 (cited by Mayo Clinic Laboratories, Mayo Clinic); PubMed 29411640 (cited by Mayo Clinic Laboratories, Mayo Clinic); PubMed 32166880 (cited by Mayo Clinic Laboratories, Mayo Clinic).

NM_021076.4(NEFH):c.2753A>G (p.Glu918Gly)

Gene: NEFH (neurofilament heavy chain; plus strand). Cytogenetic location: 22q12.2.
Variant type: single nucleotide variant.
Coding change: c.2753A>G on transcript NM_021076.4 (MANE Select); coding-DNA position 2753, A replaced by G.
Protein change: p.Glu918Gly; replaces glutamic acid 918 with glycine.
Molecular consequence: missense variant.
Genome position (GRCh38, 1-based): chr22:29,490,393, A>G. VCF-style: chr22-29490393-A-G. GRCh37 (hg19) VCF-style: chr22-29886382-A-G.
Other names: p.Glu918Gly; c.2753A>G (NM_021076.3); short protein forms E918G.
Identifiers: ClinVar variation 1668078 (VCV001668078.9), dbSNP rs189881592, ClinGen allele CA10174484.